The following is an entry in ClinVar:

ClinVar aggregate classification (germline): Uncertain significance. Review status: criteria provided, multiple submitters, no conflicts (2 of 4 stars). 2 submissions from 2 submitters: Uncertain significance (2). Last evaluated 2022-04-29.

Conditions:
Meckel syndrome, type 11 (MKS11). Identifiers: Orphanet 564, MedGen C3809352, MONDO:0014164, OMIM 615397.
Joubert syndrome 20 (JBTS20). Identifiers: Orphanet 475, MedGen C3554235, MONDO:0013994, OMIM 614970.

Allele frequency attached by ClinVar (database versions not stated): gnomAD exomes below 0.00001; TOPMed below 0.00001; gnomAD 0.00001.

Submissions (2):

Labcorp Genetics (formerly Invitae), Labcorp
Classification: Uncertain significance for Joubert syndrome 20; Meckel syndrome, type 11. Last evaluated: 2022-04-29. Review status: criteria provided, single submitter. Criteria: Invitae Variant Classification Sherloc (09022015). Collection method: clinical testing. Allele origin: germline.
Comment: This sequence change replaces tyrosine, which is neutral and polar, with cysteine, which is neutral and slightly polar, at codon 108 of the TMEM231 protein (p.Tyr108Cys). The frequency data for this variant in the population databases is considered unreliable, as metrics indicate poor data quality at this position in the gnomAD database. This variant has not been reported in the literature in individuals affected with TMEM231-related conditions. Algorithms developed to predict the effect of missense changes on protein structure and function are either unavailable or do not agree on the potential impact of this missense change (SIFT: "Deleterious"; PolyPhen-2: "Not Available"; Align-GVGD: "Class C55"). In summary, the available evidence is currently insufficient to determine the role of this variant in disease. Therefore, it has been classified as a Variant of Uncertain Significance.

Blueprint Genetics
Classification: Uncertain significance. Last evaluated: 2018-07-18. Review status: criteria provided, single submitter. Criteria: ACMG Guidelines, 2015. Collection method: clinical testing. Allele origin: germline.

NM_001077418.3(TMEM231):c.164A>G (p.Tyr55Cys)

Genes: TMEM231 (transmembrane protein 231; minus strand), LOC130059440 (ATAC-STARR-seq lymphoblastoid silent region 7724; plus strand). Cytogenetic location: 16q23.1.
Variant type: single nucleotide variant.
Coding change: c.164A>G on transcript NM_001077418.3 (MANE Select); coding-DNA position 164, A replaced by G.
Protein change: p.Tyr55Cys; replaces tyrosine 55 with cysteine.
Molecular consequence: missense variant. On other transcripts: non-coding transcript variant (1).
Genome position (GRCh38, 1-based): chr16:75,555,949, T>C on the plus strand (A>G on the coding strand, the complement: TMEM231 is on the minus strand). VCF-style: chr16-75555949-T-C. GRCh37 (hg19) VCF-style: chr16-75589847-T-C.
Other names: c.323A>G, p.Tyr108Cys (NM_001077416.2); short protein forms Y108C, Y55C.
Identifiers: ClinVar variation 2174204 (VCV002174204.3), dbSNP rs1326583153, ClinGen allele CA396809411.
Genomic context (GRCh38, chr16:75,555,949, plus strand): 5'-GGTCCGAGCAGGGCCACGAGCAGCACCTGGTGTTGGAAGCGCACGGTCGGCTGCTCCTCG[T>C]AGCTGCTCCGCTTCAGCCAAAACCCTGAGTTAAAGAGGGCGGTAGGGAGGCGGTTAGGGA-3'
Protein context (NP_001070886.1, residues 45-65): SHGFWLKRSS[Tyr55Cys]EEQPTVRFQH